The following is an entry in ClinVar:

NM_000169.3(GLA):c.500T>C (p.Leu167Pro)

Genes: GLA (galactosidase alpha; minus strand), RPL36A-HNRNPH2 (RPL36A-HNRNPH2 readthrough; plus strand). Cytogenetic location: Xq22.1.
Variant type: single nucleotide variant.
Coding change: c.500T>C on transcript NM_000169.3 (MANE Select); coding-DNA position 500, T replaced by C.
Protein change: p.Leu167Pro; replaces leucine 167 with proline.
Molecular consequence: missense variant. On other transcripts: intron variant (2), non-coding transcript variant (3).
Genome position (GRCh38, 1-based): chrX:101,401,679, A>G on the plus strand (T>C on the coding strand, the complement: GLA is on the minus strand). VCF-style: chrX-101401679-A-G. GRCh37 (hg19) VCF-style: chrX-100656667-A-G.
Other names: c.177+9857A>G (NM_001199974.2); c.623T>C, p.Leu208Pro (NM_001406747.1, NM_001406749.1); c.500T>C, p.Leu167Pro (NM_001406748.1); c.300+6222A>G (NM_001199973.2); short protein forms L167P, L208P.
Identifiers: ClinVar variation 987845 (VCV000987845.8), dbSNP rs1928319806, ClinGen allele CA413929028.

ClinVar aggregate classification (germline): Pathogenic/Likely pathogenic. Review status: criteria provided, multiple submitters, no conflicts (2 of 4 stars). 3 submissions from 3 submitters: Pathogenic (1); Likely pathogenic (2). Last evaluated 2026-09-08.

Conditions:
Fabry disease. Also called: ALPHA-GALACTOSIDASE A DEFICIENCY; CERAMIDE TRIHEXOSIDASE DEFICIENCY; GLA DEFICIENCY; HEREDITARY DYSTOPIC LIPIDOSIS; Angiokeratoma corporis diffusum; Fabry's disease. Identifiers: Orphanet 324, MedGen C0002986, MONDO:0010526, OMIM 301500, HP:0001071. Disease mechanism: loss of function, Fabry disease is due to inactivating mutations in the X-linked GLA gene resulting in deficiency of the enzyme Alpha Galactosidase-A..

Submissions (3):

Genomenon, Inc
Classification: Pathogenic for Fabry disease. Last evaluated: 2026-09-08. Review status: criteria provided, single submitter. Criteria: Genomenon Sequence Variant Interpretation Standards - Updated. Collection method: curation. Allele origin: germline. Affected: yes.
Comment: GLA p.Leu167Pro (c.500T>C) is a missense variant that changes the amino acid at codon 167 from Leucine to Proline. This variant has been observed in at least one proband with clinical features consistent with Fabry disease (PMID:38374995;17057070). The variant was found to segregate with disease in at least one affected family (PMID:17057070). At least one functional study has demonstrated a substantial alteration in protein function relative to the wild-type (PMID:27657681). This variant is located in a mutational hotspot and/or important functional domain. It is absent or not present at a significant frequency in gnomAD. In silico models predict that this variant is possibly or probably damaging. In conclusion, we classify GLA p.Leu167Pro (c.500T>C) as a pathogenic variant.

Labcorp Genetics (formerly Invitae), Labcorp
Classification: Likely pathogenic for Fabry disease. Last evaluated: 2025-08-15. Review status: criteria provided, single submitter. Criteria: Invitae Variant Classification Sherloc (09022015). Collection method: clinical testing. Allele origin: germline.
Comment: This sequence change replaces leucine, which is neutral and non-polar, with proline, which is neutral and non-polar, at codon 167 of the GLA protein (p.Leu167Pro). This variant is not present in population databases (gnomAD no frequency). This missense change has been observed in individual(s) with Fabry disease (PMID: 12920095, 17057070). ClinVar contains an entry for this variant (Variation ID: 987845). Invitae Evidence Modeling of protein sequence and biophysical properties (such as structural, functional, and spatial information, amino acid conservation, physicochemical variation, residue mobility, and thermodynamic stability) indicates that this missense variant is expected to disrupt GLA protein function with a positive predictive value of 80%. In summary, the currently available evidence indicates that the variant is pathogenic, but additional data are needed to prove that conclusively. Therefore, this variant has been classified as Likely Pathogenic.

Women's Health and Genetics/Laboratory Corporation of America, LabCorp
Classification: Likely pathogenic for Fabry disease. Last evaluated: 2020-11-06. Review status: criteria provided, single submitter. Criteria: LabCorp Variant Classification Summary - May 2015. Collection method: clinical testing. Allele origin: germline.
Comment: Variant summary: GLA c.500T>C (p.Leu167Pro) results in a non-conservative amino acid change in the encoded protein sequence. Five of five in-silico tools predict a damaging effect of the variant on protein function consistent with in-silico tools specifically derived for assessment of GLA mutations that report a damaging outcome (example, Saito_2010, Riera_2015). The variant was absent in 183479 control chromosomes. c.500T>C has been reported in the literature in at-least one male with biopsy and enzyme activity confirmed diagnosis of Fabry Disease (example, Morrone_2003, Gavazzi_2006). These data do not allow any conclusion about variant significance. At least one publication reports experimental evidence evaluating an impact on protein function (Morrone_2003). The most pronounced variant effect results in lack of normal activity although the specific activity levels were not reported. No clinical diagnostic laboratories have submitted clinical-significance assessments for this variant to ClinVar after 2014. Based on the evidence outlined above, the variant was classified as likely pathogenic.

Literature cited by the submitters: PubMed 38374995 (cited by Genomenon, Inc); PubMed 17057070 (cited by 3 submitters); PubMed 27657681 (cited by Genomenon, Inc); PubMed 12920095 (cited by Labcorp Genetics (formerly Invitae), Labcorp and Women's Health and Genetics/Laboratory Corporation of America, LabCorp); PubMed 25382311 (cited by Women's Health and Genetics/Laboratory Corporation of America, LabCorp); PubMed 20139917 (cited by Women's Health and Genetics/Laboratory Corporation of America, LabCorp).